The following is an entry in ClinVar:

ClinVar aggregate classification (germline): Uncertain significance (1 of 4 stars; one submission).

Conditions:
Immunodeficiency 18 (IMD18). Also called: CD3-EPSILON DEFICIENCY; CD3epsilon deficiency. Identifiers: MedGen C3810127, MONDO:0014278, OMIM 615615.

gnomAD v4.1: 18 of 1,613,932 alleles (0.0011%); highest among the groups gnomAD compares: Non-Finnish European, 0.0012%; no homozygotes.

Submission:

Labcorp Genetics (formerly Invitae), Labcorp
Classification: Uncertain significance for Immunodeficiency 18. Last evaluated: 2024-07-07. Review status: criteria provided, single submitter. Criteria: Invitae Variant Classification Sherloc (09022015). Collection method: clinical testing. Allele origin: germline.
Comment: This sequence change replaces glutamic acid, which is acidic and polar, with aspartic acid, which is acidic and polar, at codon 120 of the CD3E protein (p.Glu120Asp). This variant is present in population databases (no rsID available, gnomAD 0.002%). This variant has not been reported in the literature in individuals affected with CD3E-related conditions. ClinVar contains an entry for this variant (Variation ID: 860753). An algorithm developed to predict the effect of missense changes on protein structure and function (PolyPhen-2) suggests that this variant¬†is likely to be tolerated. In summary, the available evidence is currently insufficient to determine the role of this variant in disease. Therefore, it has been classified as a Variant of Uncertain Significance.

NM_000733.4(CD3E):c.360G>C (p.Glu120Asp)

Gene: CD3E (CD3 epsilon subunit of T-cell receptor complex; plus strand). Cytogenetic location: 11q23.3.
Variant type: single nucleotide variant.
Coding change: c.360G>C on transcript NM_000733.4 (MANE Select); coding-DNA position 360, G replaced by C.
Protein change: p.Glu120Asp; replaces glutamic acid 120 with aspartic acid.
Molecular consequence: missense variant.
Genome position (GRCh38, 1-based): chr11:118,313,714, G>C. VCF-style: chr11-118313714-G-C. GRCh37 (hg19) VCF-style: chr11-118184429-G-C.
Other names: short protein forms E120D.
Identifiers: ClinVar variation 860753 (VCV000860753.6), dbSNP rs1361788582, ClinGen allele CA382783559.